The following is an entry in ClinVar:

ClinVar aggregate classification (germline): Uncertain significance. Review status: criteria provided, multiple submitters, no conflicts (2 of 4 stars). 2 submissions from 2 submitters: Uncertain significance (2). Last evaluated 2025-07-27.

Conditions:
Myofibrillar myopathy 6. Identifiers: Orphanet 199340, MedGen C2751831, MONDO:0013061, OMIM 612954.
Dilated cardiomyopathy 1HH (CMD1HH). Identifiers: Orphanet 154, MedGen C3151293, MONDO:0013479, OMIM 613881.

Allele frequency attached by ClinVar (database versions not stated): gnomAD exomes below 0.00001.
gnomAD v4.1: 4 of 1,596,576 alleles (0.00025%); highest among the groups gnomAD compares: Non-Finnish European, 0.00034%; no homozygotes.

Submissions (2):

Labcorp Genetics (formerly Invitae), Labcorp
Classification: Uncertain significance for Dilated cardiomyopathy 1HH; Myofibrillar myopathy 6. Last evaluated: 2025-07-27. Review status: criteria provided, single submitter. Criteria: Invitae Variant Classification Sherloc (09022015). Collection method: clinical testing. Allele origin: germline.
Comment: This sequence change replaces aspartic acid, which is acidic and polar, with asparagine, which is neutral and polar, at codon 18 of the BAG3 protein (p.Asp18Asn). This variant is not present in population databases (gnomAD no frequency). This variant has not been reported in the literature in individuals affected with BAG3-related conditions. ClinVar contains an entry for this variant (Variation ID: 2439466). An algorithm developed to predict the effect of missense changes on protein structure and function (PolyPhen-2) suggests that this variant is likely to be disruptive. In summary, the available evidence is currently insufficient to determine the role of this variant in disease. Therefore, it has been classified as a Variant of Uncertain Significance.

Revvity Omics, Revvity
Classification: Uncertain significance. Last evaluated: 2019-05-23. Review status: criteria provided, single submitter. Criteria: ACMG Guidelines, 2015. Collection method: clinical testing. Allele origin: germline.

NM_004281.4(BAG3):c.52G>A (p.Asp18Asn)

Gene: BAG3 (BAG cochaperone 3; plus strand). Cytogenetic location: 10q26.11.
Variant type: single nucleotide variant.
Coding change: c.52G>A on transcript NM_004281.4 (MANE Select); coding-DNA position 52, G replaced by A.
Protein change: p.Asp18Asn; replaces aspartic acid 18 with asparagine.
Molecular consequence: missense variant.
Genome position (GRCh38, 1-based): chr10:119,651,727, G>A. VCF-style: chr10-119651727-G-A. GRCh37 (hg19) VCF-style: chr10-121411239-G-A.
Other names: short protein forms D18N.
Identifiers: ClinVar variation 2439466 (VCV002439466.4), dbSNP rs2134050513, ClinGen allele CA378294071.